The following is an entry in ClinVar:

NM_000265.7(NCF1):c.1078A>C (p.Lys360Gln)

Genes: NCF1 (neutrophil cytosolic factor 1; plus strand), LOC106029312 (Williams-Beuren syndrome medial block B recombination region; plus strand). Cytogenetic location: 7q11.23.
Variant type: single nucleotide variant.
Coding change: c.1078A>C on transcript NM_000265.7 (MANE Select); coding-DNA position 1078, A replaced by C.
Protein change: p.Lys360Gln; replaces lysine 360 with glutamine.
Molecular consequence: missense variant.
Genome position (GRCh38, 1-based): chr7:74,789,065, A>C. VCF-style: chr7-74789065-A-C. GRCh37 (hg19) VCF-style: chr7-74203409-A-C.
Other names: short protein forms K360Q.
Identifiers: ClinVar variation 4872641 (VCV004872641.2).

ClinVar aggregate classification (germline): Likely benign (1 of 4 stars; one submission).

Submission:

CeGaT Center for Human Genetics Tuebingen
Classification: Likely benign. Last evaluated: 2026-05-01. Review status: criteria provided, single submitter. Criteria: CeGaT Center For Human Genetics Tuebingen Variant Classification Criteria Version 2. Collection method: clinical testing. Allele origin: germline. Affected: yes. Observed: 1 variant allele.
Comment: NCF1: BS2